The following is an entry in ClinVar:

ClinVar aggregate classification (germline): Uncertain significance (1 of 4 stars; one submission).

Conditions:
Joubert syndrome 21 (JBTS21). Identifiers: MedGen C3810212, MONDO:0014288, OMIM 615636.

Submission:

Labcorp Genetics (formerly Invitae), Labcorp
Classification: Uncertain significance for Joubert syndrome 21. Last evaluated: 2024-02-24. Review status: criteria provided, single submitter. Criteria: Invitae Variant Classification Sherloc (09022015). Collection method: clinical testing. Allele origin: germline.
Comment: This sequence change replaces asparagine, which is neutral and polar, with serine, which is neutral and polar, at codon 903 of the CSPP1 protein (p.Asn903Ser). This variant is not present in population databases (gnomAD no frequency). This variant has not been reported in the literature in individuals affected with CSPP1-related conditions. ClinVar contains an entry for this variant (Variation ID: 1716382). An algorithm developed to predict the effect of missense changes on protein structure and function (PolyPhen-2) suggests that this variant is likely to be disruptive. In summary, the available evidence is currently insufficient to determine the role of this variant in disease. Therefore, it has been classified as a Variant of Uncertain Significance.

NM_001382391.1(CSPP1):c.2723A>G (p.Asn908Ser)

Gene: CSPP1 (centrosome and spindle pole associated protein 1; plus strand). Cytogenetic location: 8q13.2.
Variant type: single nucleotide variant.
Coding change: c.2723A>G on transcript NM_001382391.1 (MANE Select); coding-DNA position 2723, A replaced by G.
Protein change: p.Asn908Ser; replaces asparagine 908 with serine.
Molecular consequence: missense variant.
Genome position (GRCh38, 1-based): chr8:67,164,403, A>G. VCF-style: chr8-67164403-A-G. GRCh37 (hg19) VCF-style: chr8-68076638-A-G.
Other names: c.1673A>G, p.Asn558Ser (NM_001291339.2); c.2642A>G, p.Asn881Ser (NM_001363131.2); c.2528A>G, p.Asn843Ser (NM_001363132.2); c.2447A>G, p.Asn816Ser (NM_001363133.2); c.2789A>G, p.Asn930Ser (NM_001364869.1); c.2609A>G, p.Asn870Ser (NM_001364870.1); c.2708A>G, p.Asn903Ser (NM_024790.7); short protein forms N558S, N816S, N843S, N870S, N881S, N903S, N908S, N930S.
Identifiers: ClinVar variation 1716382 (VCV001716382.5), dbSNP rs2489982069, ClinGen allele CA371193052.